The following is an entry in ClinVar:

ClinVar aggregate classification (germline): Conflicting classifications of pathogenicity. Review status: criteria provided, conflicting classifications (1 of 4 stars). 3 submissions from 3 submitters: Likely pathogenic (2); Uncertain significance (1). Last evaluated 2025-12-09.

Conditions:
Desmin-related myofibrillar myopathy (MFM1). Also called: Desminopathy; Desmin related myopathy (former name); Desmin storage myopathy (former name); MYOFIBRILLAR MYOPATHY WITH ARRHYTHMOGENIC RIGHT VENTRICULAR CARDIOMYOPATHY; DESMIN-RELATED MYOPATHY WITH ARRHYTHMOGENIC RIGHT VENTRICULAR CARDIOMYOPATHY; Myofibrillar myopathy 1. Identifiers: Orphanet 363543, Orphanet 98909, MedGen C1832370, MONDO:0011076, OMIM 601419.
Autosomal dominant DES-related disorders.
Cardiovascular phenotype. Identifiers: MedGen CN230736.

Allele frequency attached by ClinVar (database versions not stated): TOPMed below 0.00001.

Submissions (3):

Variantyx, Inc.
Classification: Likely pathogenic for Autosomal dominant DES-related disorders. Last evaluated: 2025-12-09. Review status: criteria provided, single submitter. Criteria: Variantyx Assertion Criteria 2022. Collection method: clinical testing. Allele origin: germline. Inheritance: Autosomal dominant inheritance. Affected: yes.
Comment: This is a nonsynonymous variant in the DES gene (OMIM: 125660). Pathogenic variants in this gene have been associated with autosomal dominant DES-related disorders. This variant has been reported in at least one affected individual (PMID: 35898174) (PS4). An alternate amino acid change at this codon (p.Ser13Phe) have been previously reported in similarly affected individuals, which suggests that this residue is biologically important (PMID: 22215463, 17720647, 18061454, 19879535, 23349452, 26097489) (PM5), and multiple computational algorithms predict a deleterious effect for this variant (REVEL score: 0.867) (PP3). This variant is absent from control populations (PM2). Based on the current evidence, this variant is classified as likely pathogenic for autosomal dominant DES-related disorders.

Labcorp Genetics (formerly Invitae), Labcorp
Classification: Likely pathogenic for Desmin-related myofibrillar myopathy. Last evaluated: 2025-10-27. Review status: criteria provided, single submitter. Criteria: Invitae Variant Classification Sherloc (09022015). Collection method: clinical testing. Allele origin: germline.
Comment: This sequence change replaces serine, which is neutral and polar, with proline, which is neutral and non-polar, at codon 13 of the DES protein (p.Ser13Pro). This variant is not present in population databases (gnomAD no frequency). This variant has not been reported in the literature in individuals affected with DES-related conditions. ClinVar contains an entry for this variant (Variation ID: 1002791). Invitae Evidence Modeling of protein sequence and biophysical properties (such as structural, functional, and spatial information, amino acid conservation, physicochemical variation, residue mobility, and thermodynamic stability) indicates that this missense variant is expected to disrupt DES protein function with a positive predictive value of 95%. This variant disrupts the p.Ser13 amino acid residue in DES. Other variant(s) that disrupt this residue have been determined to be pathogenic (PMID: 17720647, 18061454, 19879535, 23349452, 26097489). This suggests that this residue is clinically significant, and that variants that disrupt this residue are likely to be disease-causing. In summary, the currently available evidence indicates that the variant is pathogenic, but additional data are needed to prove that conclusively. Therefore, this variant has been classified as Likely Pathogenic.

Ambry Genetics
Classification: Uncertain significance for Cardiovascular phenotype. Last evaluated: 2025-07-01. Review status: criteria provided, single submitter. Criteria: Ambry Variant Classification Scheme 2023. Collection method: clinical testing. Allele origin: germline.
Comment: The p.S13P variant (also known as c.37T>C), located in coding exon 1 of the DES gene, results from a T to C substitution at nucleotide position 37. The serine at codon 13 is replaced by proline, an amino acid with similar properties. This variant was reported in a desminopathy cohort (Silva AMS et al. J Neuropathol Exp Neurol, 2022 Aug;81:746-757). This amino acid position is highly conserved in available vertebrate species. In addition, this alteration is predicted to be deleterious by in silico analysis. Based on the available evidence, the clinical significance of this variant remains unclear.

Literature cited by the submitters: PubMed 17720647 (cited by Variantyx, Inc. and Labcorp Genetics (formerly Invitae), Labcorp); PubMed 18061454 (cited by Variantyx, Inc. and Labcorp Genetics (formerly Invitae), Labcorp); PubMed 19879535 (cited by Variantyx, Inc. and Labcorp Genetics (formerly Invitae), Labcorp); PubMed 23349452 (cited by Variantyx, Inc. and Labcorp Genetics (formerly Invitae), Labcorp); PubMed 26097489 (cited by Variantyx, Inc. and Labcorp Genetics (formerly Invitae), Labcorp); PubMed 35898174 (cited by Variantyx, Inc. and Ambry Genetics).

NM_001927.4(DES):c.37T>C (p.Ser13Pro)

Gene: DES (desmin; plus strand). Cytogenetic location: 2q35.
Variant type: single nucleotide variant.
Coding change: c.37T>C on transcript NM_001927.4 (MANE Select); coding-DNA position 37, T replaced by C.
Protein change: p.Ser13Pro; replaces serine 13 with proline.
Molecular consequence: missense variant.
Genome position (GRCh38, 1-based): chr2:219,418,499, T>C. VCF-style: chr2-219418499-T-C. GRCh37 (hg19) VCF-style: chr2-220283221-T-C.
Other names: c.37T>C (NM_001927.3); c.37T>C, p.Ser13Pro (NM_001382708.1, NM_001382709.1, NM_001382710.1 and 3 more transcripts); short protein forms S13P.
Identifiers: ClinVar variation 1002791 (VCV001002791.13), dbSNP rs1954359599, ClinGen allele CA350682267.